The following is an entry in ClinVar:

NM_000883.4(IMPDH1):c.*228G>A

Gene: IMPDH1 (inosine monophosphate dehydrogenase 1; minus strand). Cytogenetic location: 7q32.1.
Variant type: single nucleotide variant.
Coding change: c.*228G>A on transcript NM_000883.4 (MANE Select); 228 bases downstream of the stop codon, G replaced by A.
Molecular consequence: 3 prime UTR variant.
Genome position (GRCh38, 1-based): chr7:128,392,779, C>T on the plus strand (G>A on the coding strand, the complement: IMPDH1 is on the minus strand). VCF-style: chr7-128392779-C-T. GRCh37 (hg19) VCF-style: chr7-128032833-C-T.
Other names: c.*228G>A (NM_001102605.2, NM_001142573.2, NM_001142574.2 and 4 more transcripts).
Identifiers: ClinVar variation 358867 (VCV000358867.6), dbSNP rs72624976, ClinGen allele CA10625257.

ClinVar aggregate classification (germline): Benign/Likely benign. Review status: criteria provided, multiple submitters, no conflicts (2 of 4 stars). 3 submissions from 2 submitters: Benign (1); Likely benign (2). Last evaluated 2018-01-12.

Conditions:
Leber congenital amaurosis 11 (LCA11). Identifiers: Orphanet 65, MedGen C1840284, MONDO:0013454, OMIM 613837.
Retinitis pigmentosa (RP). Identifiers: Orphanet 791, MedGen C0035334, MeSH D012174, MONDO:0019200, OMIM 268000. Inheritance: Autosomal dominant, autosomal recessive and X linked inheritance.

Allele frequency attached by ClinVar (database versions not stated): 1000 Genomes Project 0.01018; 1000 Genomes Project 30x 0.01077; gnomAD 0.01836; TOPMed 0.02575.
gnomAD v4.1: 14,509 of 554,958 alleles (2.6%); highest among the groups gnomAD compares: Non-Finnish European, 3.8%; 293 homozygotes.

Submissions (3):

Illumina Laboratory Services, Illumina
Classification: Benign for Retinitis pigmentosa. Last evaluated: 2018-01-12. Review status: criteria provided, single submitter. Criteria: ICSL Variant Classification Criteria 13 December 2019. Collection method: clinical testing. Allele origin: germline.
Comment: This variant was observed in the ICSL laboratory as part of a predisposition screen in an ostensibly healthy population. It had not been previously curated by ICSL or reported in the Human Gene Mutation Database (HGMD: prior to June 1st, 2018), and was therefore a candidate for classification through an automated scoring system. Utilizing variant allele frequency, disease prevalence and penetrance estimates, and inheritance mode, an automated score was calculated to assess if this variant is too frequent to cause the disease. Based on the score and internal cut-off values, a variant classified as benign is not then subjected to further curation. The score for this variant resulted in a classification of benign for this disease.

Illumina Laboratory Services, Illumina
Classification: Likely benign for Leber congenital amaurosis 11. Last evaluated: 2018-01-12. Review status: criteria provided, single submitter. Criteria: ICSL Variant Classification Criteria 13 December 2019. Collection method: clinical testing. Allele origin: germline.
Comment: This variant was observed in the ICSL laboratory as part of a predisposition screen in an ostensibly healthy population. It had not been previously curated by ICSL or reported in the Human Gene Mutation Database (HGMD: prior to June 1st, 2018), and was therefore a candidate for classification through an automated scoring system. Utilizing variant allele frequency, disease prevalence and penetrance estimates, and inheritance mode, an automated score was calculated to assess if this variant is too frequent to cause the disease. Based on the score and internal cut-off values, a variant classified as likely benign is not then subjected to further curation. The score for this variant resulted in a classification of likely benign for this disease.

Breakthrough Genomics
Classification: Likely benign. Review status: criteria provided, single submitter. Criteria: ACMG Guidelines, 2015. Collection method: not provided. Allele origin: germline. Inheritance: Autosomal dominant inheritance. Affected: yes.